The following is an entry in ClinVar:

NM_018418.5(SPATA7):c.1226G>A (p.Arg409His)

Gene: SPATA7 (spermatogenesis associated 7; plus strand). Cytogenetic location: 14q31.3.
Variant type: single nucleotide variant.
Coding change: c.1226G>A on transcript NM_018418.5 (MANE Select); coding-DNA position 1226, G replaced by A.
Protein change: p.Arg409His; replaces arginine 409 with histidine.
Molecular consequence: missense variant.
Genome position (GRCh38, 1-based): chr14:88,437,848, G>A. VCF-style: chr14-88437848-G-A. GRCh37 (hg19) VCF-style: chr14-88904192-G-A.
Other names: c.1130G>A, p.Arg377His (NM_001040428.4); short protein forms R409H, R377H.
Identifiers: ClinVar variation 2935557 (VCV002935557.5), dbSNP rs914467251, ClinGen allele CA264545075.

ClinVar aggregate classification (germline): Uncertain significance. Review status: criteria provided, multiple submitters, no conflicts (2 of 4 stars). 3 submissions from 3 submitters: Uncertain significance (3). Last evaluated 2023-10-01.

Conditions:
Retinal dystrophy. Also called: Inherited retinal dystrophy. Identifiers: Orphanet 71862, MedGen C0854723, MeSH D058499, MONDO:0019118, HP:0000556.
Leber congenital amaurosis 3 (LCA3). Also called: SPATA7-Related Retinitis Pigmentosa. Identifiers: MedGen C1858677, MONDO:0011415, OMIM 604232.

Allele frequency attached by ClinVar (database versions not stated): gnomAD 0.00002; gnomAD exomes 0.00002; TOPMed 0.00002.
gnomAD v4.1: 25 of 1,588,554 alleles (0.0016%); highest among the groups gnomAD compares: East Asian, 0.029%; no homozygotes.

Submissions (3):

Dept Of Ophthalmology, Nagoya University
Classification: Uncertain significance for Retinal dystrophy. Last evaluated: 2023-10-01. Review status: criteria provided, single submitter. Criteria: Submitter's publication. Collection method: research. Allele origin: germline. Affected: yes.

Labcorp Genetics (formerly Invitae), Labcorp
Classification: Uncertain significance for Leber congenital amaurosis 3. Last evaluated: 2023-05-16. Review status: criteria provided, single submitter. Criteria: Invitae Variant Classification Sherloc (09022015). Collection method: clinical testing. Allele origin: germline.
Comment: In summary, the available evidence is currently insufficient to determine the role of this variant in disease. Therefore, it has been classified as a Variant of Uncertain Significance. Advanced modeling of protein sequence and biophysical properties (such as structural, functional, and spatial information, amino acid conservation, physicochemical variation, residue mobility, and thermodynamic stability) performed at Invitae indicates that this missense variant is expected to disrupt SPATA7 protein function. This variant has not been reported in the literature in individuals affected with SPATA7-related conditions. The frequency data for this variant in the population databases is considered unreliable, as metrics indicate poor data quality at this position in the gnomAD database. This sequence change replaces arginine, which is basic and polar, with histidine, which is basic and polar, at codon 409 of the SPATA7 protein (p.Arg409His).

Blueprint Genetics
Classification: Uncertain significance. Last evaluated: 2020-10-28. Review status: criteria provided, single submitter. Criteria: ACMG Guidelines, 2015. Collection method: clinical testing. Allele origin: germline.